The following is an entry in ClinVar:

NM_001018115.3(FANCD2):c.1699G>A (p.Val567Ile)

Genes: FANCD2 (FA complementation group D2; plus strand), LOC107303338 (3p25 FANCD2 Alu-mediated recombination region; plus strand). Cytogenetic location: 3p25.3.
Variant type: single nucleotide variant.
Coding change: c.1699G>A on transcript NM_001018115.3 (MANE Select); coding-DNA position 1699, G replaced by A.
Protein change: p.Val567Ile; replaces valine 567 with isoleucine.
Molecular consequence: missense variant.
Genome position (GRCh38, 1-based): chr3:10,060,336, G>A. VCF-style: chr3-10060336-G-A. GRCh37 (hg19) VCF-style: chr3-10102020-G-A.
Other names: c.1699G>A, p.Val567Ile (NM_001319984.2, NM_001374254.1, NM_033084.6); c.1588G>A, p.Val530Ile (NM_001374253.1); c.1699G>A (NM_033084.4); short protein forms V530I, V567I.
Identifiers: ClinVar variation 1365446 (VCV001365446.7), dbSNP rs773483393, ClinGen allele CA2249766.

ClinVar aggregate classification (germline): Uncertain significance. Review status: criteria provided, multiple submitters, no conflicts (2 of 4 stars). 2 submissions from 2 submitters: Uncertain significance (2). Last evaluated 2025-02-01.

Conditions:
Fanconi anemia (FA). Also called: Fanconi's anemia. Identifiers: Orphanet 84, MedGen C0015625, MeSH D005199, MONDO:0019391.
Fanconi anemia complementation group D2. Also called: FANCD2-Related Fanconi Anemia; FANCONI PANCYTOPENIA, TYPE 4; FANCONI ANEMIA, COMPLEMENTATION GROUP D. Identifiers: Orphanet 84, MedGen C3160738, MONDO:0009214, OMIM 227646.

Allele frequency attached by ClinVar (database versions not stated): ExAC 0.00001; gnomAD 0.00001; gnomAD exomes 0.00001; TOPMed 0.00002.
gnomAD v4.1: 20 of 1,613,092 alleles (0.0012%); highest among the groups gnomAD compares: African/African-American, 0.0067%; no homozygotes.

Submissions (2):

Labcorp Genetics (formerly Invitae), Labcorp
Classification: Uncertain significance for Fanconi anemia. Last evaluated: 2025-02-01. Review status: criteria provided, single submitter. Criteria: Invitae Variant Classification Sherloc (09022015). Collection method: clinical testing. Allele origin: germline.
Comment: This sequence change replaces valine, which is neutral and non-polar, with isoleucine, which is neutral and non-polar, at codon 567 of the FANCD2 protein (p.Val567Ile). This variant is present in population databases (rs773483393, gnomAD 0.01%). This variant has not been reported in the literature in individuals affected with FANCD2-related conditions. ClinVar contains an entry for this variant (Variation ID: 1365446). Invitae Evidence Modeling of protein sequence and biophysical properties (such as structural, functional, and spatial information, amino acid conservation, physicochemical variation, residue mobility, and thermodynamic stability) indicates that this missense variant is not expected to disrupt FANCD2 protein function with a negative predictive value of 80%. In summary, the available evidence is currently insufficient to determine the role of this variant in disease. Therefore, it has been classified as a Variant of Uncertain Significance.

Fulgent Genetics
Classification: Uncertain significance for Fanconi anemia complementation group D2. Last evaluated: 2024-05-27. Review status: criteria provided, single submitter. Criteria: ACMG Guidelines, 2015. Collection method: clinical testing. Allele origin: germline.